The following is an entry in ClinVar:

NM_000264.5(PTCH1):c.3922A>C (p.Arg1308=)

Gene: PTCH1 (patched 1; minus strand). Cytogenetic location: 9q22.32.
Variant type: single nucleotide variant.
Coding change: c.3922A>C on transcript NM_000264.5 (MANE Select); coding-DNA position 3922, A replaced by C.
Protein change: p.Arg1308=; no amino-acid change (arginine 1308 retained).
Molecular consequence: synonymous variant. On other transcripts: non-coding transcript variant (1).
Genome position (GRCh38, 1-based): chr9:95,447,334, T>G on the plus strand (A>C on the coding strand, the complement: PTCH1 is on the minus strand). VCF-style: chr9-95447334-T-G. GRCh37 (hg19) VCF-style: chr9-98209616-T-G.
Other names: c.3724A>C, p.Arg1242= (NM_001083602.3); c.3919A>C, p.Arg1307= (NM_001083603.3); c.3469A>C, p.Arg1157= (NM_001083604.3, NM_001083605.3, NM_001083606.3 and 1 more transcripts); c.3766A>C, p.Arg1256= (NM_001354918.2).
Identifiers: ClinVar variation 3771881 (VCV003771881.13).

ClinVar aggregate classification (germline): Likely benign (1 of 4 stars; one submission).

Submission:

CeGaT Center for Human Genetics Tuebingen
Classification: Likely benign. Last evaluated: 2025-02-01. Review status: criteria provided, single submitter. Criteria: CeGaT Center For Human Genetics Tuebingen Variant Classification Criteria Version 2. Collection method: clinical testing. Allele origin: germline. Affected: yes. Observed: 1 variant allele.
Comment: PTCH1: PM2:Supporting, BP4, BP7